The following is an entry in ClinVar:

ClinVar aggregate classification (germline): Uncertain significance (1 of 4 stars; one submission).

Conditions:
Epileptic encephalopathy. Identifiers: MedGen C0543888, HP:0200134.

Submission:

Labcorp Genetics (formerly Invitae), Labcorp
Classification: Uncertain significance for Epileptic encephalopathy. Last evaluated: 2022-07-19. Review status: criteria provided, single submitter. Criteria: Invitae Variant Classification Sherloc (09022015). Collection method: clinical testing. Allele origin: germline.
Comment: This sequence change replaces valine, which is neutral and non-polar, with alanine, which is neutral and non-polar, at codon 1245 of the FASN protein (p.Val1245Ala). In summary, the available evidence is currently insufficient to determine the role of this variant in disease. Therefore, it has been classified as a Variant of Uncertain Significance. Algorithms developed to predict the effect of missense changes on protein structure and function (SIFT, PolyPhen-2, Align-GVGD) all suggest that this variant is likely to be tolerated. ClinVar contains an entry for this variant (Variation ID: 1355334). This variant has not been reported in the literature in individuals affected with FASN-related conditions. This variant is not present in population databases (gnomAD no frequency).

NM_004104.5(FASN):c.3734T>C (p.Val1245Ala)

Gene: FASN (fatty acid synthase; minus strand). Cytogenetic location: 17q25.3.
Variant type: single nucleotide variant.
Coding change: c.3734T>C on transcript NM_004104.5 (MANE Select); coding-DNA position 3734, T replaced by C.
Protein change: p.Val1245Ala; replaces valine 1245 with alanine.
Molecular consequence: missense variant.
Genome position (GRCh38, 1-based): chr17:82,085,870, A>G on the plus strand (T>C on the coding strand, the complement: FASN is on the minus strand). VCF-style: chr17-82085870-A-G. GRCh37 (hg19) VCF-style: chr17-80043746-A-G.
Other names: short protein forms V1245A.
Identifiers: ClinVar variation 1355334 (VCV001355334.8), dbSNP rs2144791290, ClinGen allele CA401550455.